The following is an entry in ClinVar:

ClinVar aggregate classification (germline): Uncertain significance (1 of 4 stars; one submission).

Submission:

Labcorp Genetics (formerly Invitae), Labcorp
Classification: Uncertain significance. Last evaluated: 2023-04-15. Review status: criteria provided, single submitter. Criteria: Invitae Variant Classification Sherloc (09022015). Collection method: clinical testing. Allele origin: germline.
Comment: In summary, the available evidence is currently insufficient to determine the role of this variant in disease. Therefore, it has been classified as a Variant of Uncertain Significance. Experimental studies and prediction algorithms are not available or were not evaluated, and the functional significance of this variant is currently unknown. This variant has not been reported in the literature in individuals affected with COL9A3-related conditions. This variant is not present in population databases (gnomAD no frequency). This variant, c.1920_1937del, results in the deletion of 6 amino acid(s) of the COL9A3 protein (p.Glu640_Gly645del), but otherwise preserves the integrity of the reading frame.

NM_001853.4(COL9A3):c.1920_1937del (p.Glu640_Gly645del)

Gene: COL9A3 (collagen type IX alpha 3 chain; plus strand). Cytogenetic location: 20q13.33.
Variant type: Deletion.
Coding change: c.1920_1937del on transcript NM_001853.4 (MANE Select); coding-DNA positions 1920 to 1937, 18 bases deleted (GCCTGGGCCTCCCGGAGA).
Protein change: p.Glu640_Gly645del.
Molecular consequence: inframe deletion.
Genome position (GRCh38, 1-based): chr20:62,840,597-62,840,614, GCCTGGGCCTCCCGGAGA deleted; deleting any 18 consecutive bases within chr20:62,840,595-62,840,614 gives the same sequence; the c. name uses the placement nearest the transcript's 3' end. VCF-style (leftmost placement, unchanged base first): chr20-62840594-CGAGCCTGGGCCTCCCGGA-C. GRCh37 (hg19) VCF-style: chr20-61471946-CGAGCCTGGGCCTCCCGGA-C.
Identifiers: ClinVar variation 2776925 (VCV002776925.3), dbSNP rs2516100135, ClinGen allele CA2739277230.